The following is an entry in ClinVar:

NM_001142800.2(EYS):c.6489T>G (p.Phe2163Leu)

Gene: EYS (eyes shut homolog; minus strand). Cytogenetic location: 6q12.
Variant type: single nucleotide variant.
Coding change: c.6489T>G on transcript NM_001142800.2 (MANE Select); coding-DNA position 6489, T replaced by G.
Protein change: p.Phe2163Leu; replaces phenylalanine 2163 with leucine.
Molecular consequence: missense variant.
Genome position (GRCh38, 1-based): chr6:64,081,938, A>C on the plus strand (T>G on the coding strand, the complement: EYS is on the minus strand). VCF-style: chr6-64081938-A-C. GRCh37 (hg19) VCF-style: chr6-64791831-A-C.
Other names: c.6489T>G, p.Phe2163Leu (NM_001292009.2); short protein forms F2163L.
Identifiers: ClinVar variation 1053632 (VCV001053632.6), dbSNP rs1771986869, ClinGen allele CA364390972.

ClinVar aggregate classification (germline): Uncertain significance (1 of 4 stars; one submission).

Allele frequency attached by ClinVar (database versions not stated): TOPMed below 0.00001; gnomAD 0.00001.
gnomAD v4.1: 2 of 1,545,620 alleles (0.00013%); highest among the groups gnomAD compares: Non-Finnish European, 0.00018%; no homozygotes.

Submission:

Labcorp Genetics (formerly Invitae), Labcorp
Classification: Uncertain significance. Last evaluated: 2021-08-13. Review status: criteria provided, single submitter. Criteria: Invitae Variant Classification Sherloc (09022015). Collection method: clinical testing. Allele origin: germline.
Comment: This sequence change replaces phenylalanine with leucine at codon 2163 of the EYS protein (p.Phe2163Leu). The phenylalanine residue is moderately conserved and there is a small physicochemical difference between phenylalanine and leucine. This variant is not present in population databases (ExAC no frequency). This variant has not been reported in the literature in individuals affected with EYS-related conditions. Algorithms developed to predict the effect of missense changes on protein structure and function output the following: SIFT: "Tolerated"; PolyPhen-2: "Benign"; Align-GVGD: "Class C0". The leucine amino acid residue is found in multiple mammalian species, which suggests that this missense change does not adversely affect protein function. In summary, the available evidence is currently insufficient to determine the role of this variant in disease. Therefore, it has been classified as a Variant of Uncertain Significance.